The following is an entry in ClinVar:

NM_133510.4(RAD51B):c.316-7_316-3del

Gene: RAD51B (RAD51 paralog B; plus strand). Cytogenetic location: 14q24.1.
Variant type: Deletion.
Coding change: c.316-7_316-3del on transcript NM_133510.4 (MANE Select); 7 bases into the intron before coding-DNA position 316 through 3 bases into the intron before coding-DNA position 316, 5 bases deleted (TTTTT; older notation c.316-7_316-3delTTTTT).
Molecular consequence: intron variant.
Genome position (GRCh38, 1-based): chr14:67,864,996-67,865,000, TTTTT deleted; deleting any 5 consecutive bases within chr14:67,864,962-67,865,000 gives the same sequence; the c. name uses the placement nearest the transcript's 3' end. VCF-style (leftmost placement, unchanged base first): chr14-67864961-CTTTTT-C. GRCh37 (hg19) VCF-style: chr14-68331678-CTTTTT-C.
Other names: c.316-7_316-3del (NM_001321818.2, NM_001321809.2, NM_001321821.2 and 6 more transcripts); c.-42-7_-42-3del (NM_001321817.2); c.202-7_202-3del (NM_001321815.1).
Identifiers: ClinVar variation 3057100 (VCV003057100.21), dbSNP rs745505141, ClinGen allele CA707973647.
Genomic context (GRCh38, chr14:67,864,961, plus strand): 5'-TATATGGCAAAGTCTTAAAAGGATTTTGCTTTGACTGGCTTGTGATGTTTATCTAAAAAA[CTTTTT>C]TTTTTTTTTTTTTTTTTTTTTTTTTTTTTTTTTTAGATTACAGGTCCACCAGGTTGTGGA-3'

ClinVar aggregate classification (germline): Benign. Review status: criteria provided, single submitter (1 of 4 stars). 2 submissions from 2 submitters: Benign (1). 1 of the submissions does not count toward it. Last evaluated 2024-04-01.

Conditions:
RAD51B-related disorder. Also called: RAD51B-related condition.

Submissions (2):

CeGaT Center for Human Genetics Tuebingen
Classification: Benign. Last evaluated: 2024-04-01. Review status: criteria provided, single submitter. Criteria: CeGaT Center For Human Genetics Tuebingen Variant Classification Criteria Version 2. Collection method: clinical testing. Allele origin: germline. Affected: yes. Observed: 1 variant allele.
Comment: RAD51B: BP4, BS1, BS2

PreventionGenetics, part of Exact Sciences
Classification: Likely benign for RAD51B-related condition. Last evaluated: 2020-01-06. Review status: no assertion criteria provided. Collection method: clinical testing. Allele origin: germline. Not counted in ClinVar's aggregate classification.
Comment: This variant is classified as likely benign based on ACMG/AMP sequence variant interpretation guidelines (Richards et al. 2015 PMID: 25741868, with internal and published modifications).